The following is an entry in ClinVar:

ClinVar aggregate classification (germline): Conflicting classifications of pathogenicity. Review status: criteria provided, conflicting classifications (1 of 4 stars). 2 submissions from 2 submitters: Uncertain significance (1); Likely benign (1). Last evaluated 2023-03-03.

Conditions:
Pancreatic adenocarcinoma. Identifiers: MedGen C0281361, MONDO:0006047, HP:0006725.

Allele frequency attached by ClinVar (database versions not stated): gnomAD exomes below 0.00001 and 0.00001; ExAC 0.00001; gnomAD 0.00002; TOPMed 0.00002.
gnomAD v4.1: 13 of 1,613,870 alleles (0.00081%); highest among the groups gnomAD compares: Admixed American, 0.0017%; no homozygotes.

Submissions (2):

Labcorp Genetics (formerly Invitae), Labcorp
Classification: Uncertain significance for Pancreatic adenocarcinoma. Last evaluated: 2023-03-03. Review status: criteria provided, single submitter. Criteria: Invitae Variant Classification Sherloc (09022015). Collection method: clinical testing. Allele origin: germline.
Comment: In summary, the available evidence is currently insufficient to determine the role of this variant in disease. Therefore, it has been classified as a Variant of Uncertain Significance. Algorithms developed to predict the effect of sequence changes on RNA splicing suggest that this variant is not likely to affect RNA splicing. ClinVar contains an entry for this variant (Variation ID: 1407833). This variant has not been reported in the literature in individuals affected with PALLD-related conditions. This variant is present in population databases (rs757791701, gnomAD 0.002%). This sequence change affects codon 615 of the PALLD mRNA. It is a 'silent' change, meaning that it does not change the encoded amino acid sequence of the PALLD protein. It affects a nucleotide within the consensus splice site.

Ambry Genetics
Classification: Likely benign. Last evaluated: 2022-02-12. Review status: criteria provided, single submitter. Criteria: Ambry Variant Classification Scheme 2023. Collection method: clinical testing. Allele origin: germline.

NM_001166108.2(PALLD):c.3357C>T (p.Tyr1119=)

Genes: CBR4 (carbonyl reductase 4; minus strand), PALLD (palladin, cytoskeletal associated protein; plus strand). Cytogenetic location: 4q32.3.
Variant type: single nucleotide variant.
Coding change: c.3357C>T on transcript NM_001166108.2 (MANE Select); coding-DNA position 3357, C replaced by T.
Protein change: p.Tyr1119=; no amino-acid change (tyrosine 1119 retained).
Molecular consequence: synonymous variant.
Genome position (GRCh38, 1-based): chr4:168,925,077, C>T. VCF-style: chr4-168925077-C-T. GRCh37 (hg19) VCF-style: chr4-169846228-C-T.
Other names: c.2160C>T, p.Tyr720= (NM_001166109.2); c.1845C>T, p.Tyr615= (NM_001166110.2); c.1185C>T, p.Tyr395= (NM_001367567.1, NM_001367569.1); c.1236C>T, p.Tyr412= (NM_001367568.1, NM_001367570.1); c.3306C>T, p.Tyr1102= (NM_016081.4).
Identifiers: ClinVar variation 1407833 (VCV001407833.8), dbSNP rs757791701, ClinGen allele CA3136090.
Genomic context (GRCh38, chr4:168,925,077, plus strand): 5'-TACTGTGTCAGCCAAGAATGAAGCAGGGATTGTGTCCTGTACTGCCAGGCTGGACGTTTA[C>T]AGTGAGTGCCACTTCATCTCATTTCATTGCGTTTACTCATTAAATTATGAAAAATTAGAC-3'
Protein context (NP_001159580.1, residues 1109-1123): IVSCTARLDV[Tyr1119=]ISRH